The following is an entry in ClinVar:

NM_003638.3(ITGA8):c.1534T>C (p.Ser512Pro)

Gene: ITGA8 (integrin subunit alpha 8; minus strand). Cytogenetic location: 10p13.
Variant type: single nucleotide variant.
Coding change: c.1534T>C on transcript NM_003638.3 (MANE Select); coding-DNA position 1534, T replaced by C.
Protein change: p.Ser512Pro; replaces serine 512 with proline.
Molecular consequence: missense variant.
Genome position (GRCh38, 1-based): chr10:15,613,679, A>G on the plus strand (T>C on the coding strand, the complement: ITGA8 is on the minus strand). VCF-style: chr10-15613679-A-G. GRCh37 (hg19) VCF-style: chr10-15655678-A-G.
Other names: c.1489T>C, p.Ser497Pro (NM_001291494.2); c.1534T>C (NM_003638.2); short protein forms S512P, S497P.
Identifiers: ClinVar variation 1409302 (VCV001409302.4), dbSNP rs139049697, ClinGen allele CA5420188.

ClinVar aggregate classification (germline): Conflicting classifications of pathogenicity. Review status: criteria provided, conflicting classifications (1 of 4 stars). 2 submissions from 2 submitters: Uncertain significance (1); Likely benign (1). Last evaluated 2025-05-07.

Conditions:
ITGA8-related disorder. Also called: ITGA8-related condition.

Allele frequency attached by ClinVar (database versions not stated): 1000 Genomes Project 0.00020; 1000 Genomes Project 30x 0.00031; ExAC 0.00048; gnomAD 0.00055 and 0.00059; gnomAD exomes 0.00062 and 0.00151; TOPMed 0.00067; ESP Exome Variant Server 0.00077.
gnomAD v4.1: 2,229 of 1,612,906 alleles (0.14%); highest among the groups gnomAD compares: Non-Finnish European, 0.18%; 4 homozygotes.

Submissions (2):

PreventionGenetics, part of Exact Sciences
Classification: Likely benign for ITGA8-related condition. Last evaluated: 2025-05-07. Review status: criteria provided, single submitter. Criteria: ACMG Guidelines, 2015. Collection method: clinical testing. Allele origin: germline.
Comment: This variant is classified as likely benign based on ACMG/AMP sequence variant interpretation guidelines (Richards et al. 2015 PMID: 25741868, with internal and published modifications).

Labcorp Genetics (formerly Invitae), Labcorp
Classification: Uncertain significance. Last evaluated: 2022-08-20. Review status: criteria provided, single submitter. Criteria: Invitae Variant Classification Sherloc (09022015). Collection method: clinical testing. Allele origin: germline.
Comment: This sequence change replaces serine, which is neutral and polar, with proline, which is neutral and non-polar, at codon 512 of the ITGA8 protein (p.Ser512Pro). This variant is present in population databases (rs139049697, gnomAD 0.1%), and has an allele count higher than expected for a pathogenic variant. This variant has not been reported in the literature in individuals affected with ITGA8-related conditions. ClinVar contains an entry for this variant (Variation ID: 1409302). Algorithms developed to predict the effect of missense changes on protein structure and function (SIFT, PolyPhen-2, Align-GVGD) all suggest that this variant is likely to be tolerated. In summary, the available evidence is currently insufficient to determine the role of this variant in disease. Therefore, it has been classified as a Variant of Uncertain Significance.